The following is an entry in ClinVar:

NM_016034.5(MRPS2):c.728C>T (p.Pro243Leu)

Genes: MRPS2 (mitochondrial ribosomal protein S2; plus strand), LOC101928525 (uncharacterized LOC101928525; minus strand). Cytogenetic location: 9q34.3.
Variant type: single nucleotide variant.
Coding change: c.728C>T on transcript NM_016034.5 (MANE Select); coding-DNA position 728, C replaced by T.
Protein change: p.Pro243Leu; replaces proline 243 with leucine.
Molecular consequence: missense variant. On other transcripts: non-coding transcript variant (4).
Genome position (GRCh38, 1-based): chr9:135,503,970, C>T. VCF-style: chr9-135503970-C-T. GRCh37 (hg19) VCF-style: chr9-138395816-C-T.
Other names: c.728C>T, p.Pro243Leu (NM_001371401.1); short protein forms P243L.
Identifiers: ClinVar variation 2753858 (VCV002753858.4), dbSNP rs542521058, ClinGen allele CA5324012.

ClinVar aggregate classification (germline): Uncertain significance. Review status: criteria provided, multiple submitters, no conflicts (2 of 4 stars). 2 submissions from 2 submitters: Uncertain significance (2). Last evaluated 2026-06-19.

Conditions:
Combined oxidative phosphorylation deficiency 36 (COXPD36). Identifiers: MedGen C4693722, MONDO:0054781, OMIM 617950.

Allele frequency attached by ClinVar (database versions not stated): 1000 Genomes Project 0.00020; 1000 Genomes Project 30x 0.00031; gnomAD exomes 0.00004; ExAC 0.00006; gnomAD 0.00012; TOPMed 0.00019.

Submissions (2):

Kasturba Medical College, Manipal, Kasturba Medical College, Manipal, Manipal Academy of Higher Education, Manipal, India
Classification: Uncertain significance for Combined oxidative phosphorylation deficiency 36. Last evaluated: 2026-06-19. Review status: criteria provided, single submitter. Criteria: ACMG Guidelines, 2015. Collection method: research. Allele origin: unknown. Inheritance: Autosomal recessive inheritance. Affected: yes. Observed: 1 variant allele, 1 homozygote.
Comment: Biallelic variants in MRPS2 are known to cause combined oxidative phosphorylation deficiency 36 (MIM #617950). To date, six individuals with MRPS2 variants have been reported, exhibiting a diverse clinical phenotype characterized by recurrent hypoglycemia, failure to thrive, developmental delay of varying severity, behavioral difficulties, sensorineural hearing loss, and pulmonary arterial hypertension (Kandettu et al, 2025). This variant is present in 82 individuals in the heterozygous state and is absent in the homozygous state in the population database gnomAD v4.1.1. The variant is present in one individual in the heterozygous state and absent in the homozygous state in our in-house database of 4243 exomes. This variant is reported in the ClinVar database as a variant of uncertain significance by a single submitter (VCV002753858.3). In silico prediction tools (CADD_phred, MutationTaster) predict the variant to be damaging to MRPS2 protein function. In the absence of functional evidence, this variant is currently classified as a variant of uncertain significance.

Labcorp Genetics (formerly Invitae), Labcorp
Classification: Uncertain significance. Last evaluated: 2026-01-08. Review status: criteria provided, single submitter. Criteria: Invitae Variant Classification Sherloc (09022015). Collection method: clinical testing. Allele origin: germline.
Comment: This sequence change replaces proline, which is neutral and non-polar, with leucine, which is neutral and non-polar, at codon 243 of the MRPS2 protein (p.Pro243Leu). This variant is present in population databases (rs542521058, gnomAD 0.01%). This variant has not been reported in the literature in individuals affected with MRPS2-related conditions. ClinVar contains an entry for this variant (Variation ID: 2753858). Invitae Evidence Modeling of protein sequence and biophysical properties (such as structural, functional, and spatial information, amino acid conservation, physicochemical variation, residue mobility, and thermodynamic stability) indicates that this missense variant is not expected to disrupt MRPS2 protein function with a negative predictive value of 80%. In summary, the available evidence is currently insufficient to determine the role of this variant in disease. Therefore, it has been classified as a Variant of Uncertain Significance.

Literature cited by the submitters: PubMed 40360742 (cited by Kasturba Medical College, Manipal, Kasturba Medical College, Manipal, Manipal Academy of Higher Education, Manipal, India).